The following is an entry in ClinVar:

ClinVar aggregate classification (germline): not provided (0 of 4 stars; one submission).

Conditions:
Preeclampsia. Identifiers: Orphanet 275555, MedGen C0032914, MONDO:0005081, HP:0100602.

Submission:

Institute of Molecular and Cell Biology, University of Tartu
No classification provided. Condition: Preeclampsia. Review status: no classification provided. Collection method: case-control. Allele origin: unknown. Affected: yes. Study: Kasak2014.
Comment: The study aimed to determine the contribution of copy number variants in the genetic etiology of normal and complicated pregnancies. The samples represented (i) maternal blood DNA drawn from healthy pregnant women during 1st or 2nd trimester and (ii) maternal and paternal blood DNA drawn at term pregnancy cases representing normal and complicated gestations (severe preeclampsia, PE; gestational diabetes, GD; small-for-gestational age newborn, SGA; large-for-gestational age newborn, LGA). We performed CNV calling based on genome-wide genotyping dataset (Illumina HumanOmniExpress-24-v1 BeadChip) by applying three algorithms, QuantiSNP, GADA (Genome Alteration Detection Algorithm) and CNstream in parallel. The acquired CNV calls were merged with HD-CNV (Hotspot Detector for Copy Number Variants) program and only the CNVs predicted by at least two programs, were considered in subsequent analysis.

Literature cited by the submitters: PubMed 25666259.

NC_000016.10:g.28592568_28609431dup

Genes: SULT1A1 (sulfotransferase family 1A member 1; minus strand), SULT1A2 (sulfotransferase family 1A member 2; minus strand), LOC112340392 (Sharpr-MPRA regulatory region 4245; plus strand). Cytogenetic location: 16p11.2.
Variant type: Duplication.
Identifiers: ClinVar variation 157361 (VCV000157361.2).